The following is an entry in ClinVar:

NM_003823.4(TNFRSF6B):c.65TGCCGG[1] (p.Val24_Pro25del)

Genes: RTEL1-TNFRSF6B (RTEL1-TNFRSF6B readthrough (NMD candidate); plus strand), TNFRSF6B (TNF receptor superfamily member 6b; plus strand). Cytogenetic location: 20q13.33.
Variant type: Microsatellite.
Coding change: c.65TGCCGG[1] on transcript NM_003823.4 (MANE Select); one copy of the 6-base unit TGCCGG starting at c.65; the reference has two copies in a row; one copy, 6 bases deleted.
Protein change: p.Val24_Pro25del.
Molecular consequence: inframe deletion. On other transcripts: non-coding transcript variant (1).
Genome position (GRCh38, 1-based): chr20:63,696,838-63,696,843, TGCCGG deleted; deleting any 6 consecutive bases within chr20:63,696,832-63,696,843 gives the same sequence; the position shown is the placement nearest the transcript's 3' end. VCF-style (leftmost placement, unchanged base first): chr20-63696831-CTGCCGG-C. GRCh37 (hg19) VCF-style: chr20-62328184-CTGCCGG-C.
Identifiers: ClinVar variation 1955749 (VCV001955749.5), dbSNP rs2145486483, ClinGen allele CA2580616364.

ClinVar aggregate classification (germline): Uncertain significance (1 of 4 stars; one submission).

Submission:

Labcorp Genetics (formerly Invitae), Labcorp
Classification: Uncertain significance. Last evaluated: 2024-10-15. Review status: criteria provided, single submitter. Criteria: Invitae Variant Classification Sherloc (09022015). Collection method: clinical testing. Allele origin: germline.
Comment: This variant, c.71_76del, results in the deletion of 2 amino acid(s) of the TNFRSF6B protein (p.Val24_Pro25del), but otherwise preserves the integrity of the reading frame. This variant is not present in population databases (gnomAD no frequency). This variant has not been reported in the literature in individuals affected with TNFRSF6B-related conditions. Experimental studies and prediction algorithms are not available or were not evaluated, and the functional significance of this variant is currently unknown. In summary, the available evidence is currently insufficient to determine the role of this variant in disease. Therefore, it has been classified as a Variant of Uncertain Significance.